The following is an entry in ClinVar:

NM_030777.4(SLC2A10):c.673C>A (p.Arg225Ser)

Gene: SLC2A10 (solute carrier family 2 member 10; plus strand). Cytogenetic location: 20q13.12.
Variant type: single nucleotide variant.
Coding change: c.673C>A on transcript NM_030777.4 (MANE Select); coding-DNA position 673, C replaced by A.
Protein change: p.Arg225Ser; replaces arginine 225 with serine.
Molecular consequence: missense variant.
Genome position (GRCh38, 1-based): chr20:46,725,709, C>A. VCF-style: chr20-46725709-C-A. GRCh37 (hg19) VCF-style: chr20-45354348-C-A.
Other names: short protein forms R225S.
Identifiers: ClinVar variation 3797350 (VCV003797350.1).
Genomic context (GRCh38, chr20:46,725,709, plus strand): 5'-GAGGCCCCCAAGCTGGGCCCGGGGAGGCCACGGTACTCCTTTCTGGACCTCTTCAGGGCA[C>A]GCGATAACATGCGAGGCCGGACCACAGTGGGCCTGGGGCTGGTGCTCTTCCAGCAACTAA-3'
Protein context (NP_110404.1, residues 215-235): RYSFLDLFRA[Arg225Ser]DNMRGRTTVG

ClinVar aggregate classification (germline): Uncertain significance (1 of 4 stars; one submission).

Conditions:
Familial thoracic aortic aneurysm and aortic dissection (TAAD). Also called: Thoracic aortic aneurysms and dissections. Identifiers: Orphanet 91387, MedGen C4707243, MONDO:0019625.

gnomAD v4.1: 13 of 1,613,988 alleles (0.00081%); highest among the groups gnomAD compares: African/African-American, 0.0093%; no homozygotes.

Submission:

Ambry Genetics
Classification: Uncertain significance for Familial thoracic aortic aneurysm and aortic dissection. Last evaluated: 2025-01-13. Review status: criteria provided, single submitter. Criteria: Ambry Variant Classification Scheme 2023. Collection method: clinical testing. Allele origin: germline.
Comment: The p.R225S variant (also known as c.673C>A), located in coding exon 2 of the SLC2A10 gene, results from a C to A substitution at nucleotide position 673. The arginine at codon 225 is replaced by serine, an amino acid with dissimilar properties. This amino acid position is not well conserved in available vertebrate species. In addition, this alteration is predicted to be tolerated by in silico analysis. Based on the available evidence, the clinical significance of this variant remains unclear.